The following is an entry in ClinVar:

ClinVar aggregate classification (germline): Uncertain significance (1 of 4 stars; one submission).

Allele frequency attached by ClinVar (database versions not stated): gnomAD exomes below 0.00001; ExAC 0.00002; ESP Exome Variant Server 0.00008.

Submission:

Labcorp Genetics (formerly Invitae), Labcorp
Classification: Uncertain significance. Last evaluated: 2025-04-11. Review status: criteria provided, single submitter. Criteria: Invitae Variant Classification Sherloc (09022015). Collection method: clinical testing. Allele origin: germline.
Comment: This sequence change replaces leucine, which is neutral and non-polar, with proline, which is neutral and non-polar, at codon 153 of the TNNI3K protein (p.Leu153Pro). The frequency data for this variant in the population databases is considered unreliable, as metrics indicate poor data quality at this position in the gnomAD database. This variant has not been reported in the literature in individuals affected with TNNI3K-related conditions. ClinVar contains an entry for this variant (Variation ID: 1357634). Invitae Evidence Modeling of protein sequence and biophysical properties (such as structural, functional, and spatial information, amino acid conservation, physicochemical variation, residue mobility, and thermodynamic stability) indicates that this missense variant is expected to disrupt TNNI3K protein function with a positive predictive value of 80%. In summary, the available evidence is currently insufficient to determine the role of this variant in disease. Therefore, it has been classified as a Variant of Uncertain Significance.

NM_015978.3(TNNI3K):c.458T>C (p.Leu153Pro)

Genes: FPGT-TNNI3K (FPGT-TNNI3K readthrough; plus strand), TNNI3K (TNNI3 interacting kinase; plus strand). Cytogenetic location: 1p31.1.
Variant type: single nucleotide variant.
Coding change: c.458T>C on transcript NM_015978.3 (MANE Select); coding-DNA position 458, T replaced by C.
Protein change: p.Leu153Pro; replaces leucine 153 with proline.
Molecular consequence: missense variant.
Genome position (GRCh38, 1-based): chr1:74,331,463, T>C. VCF-style: chr1-74331463-T-C. GRCh37 (hg19) VCF-style: chr1-74797147-T-C.
Other names: c.761T>C, p.Leu254Pro (NM_001112808.3, NM_001199327.2); short protein forms L153P, L254P.
Identifiers: ClinVar variation 1357634 (VCV001357634.8), dbSNP rs377037199, ClinGen allele CA908912.